The following is an entry in ClinVar:

NM_002529.4(NTRK1):c.2312G>A (p.Arg771His)

Gene: NTRK1 (neurotrophic receptor tyrosine kinase 1; plus strand). Cytogenetic location: 1q23.1.
Variant type: single nucleotide variant.
Coding change: c.2312G>A on transcript NM_002529.4 (MANE Select); coding-DNA position 2312, G replaced by A.
Protein change: p.Arg771His; replaces arginine 771 with histidine.
Molecular consequence: missense variant.
Genome position (GRCh38, 1-based): chr1:156,881,563, G>A. VCF-style: chr1-156881563-G-A. GRCh37 (hg19) VCF-style: chr1-156851355-G-A.
Other names: c.2204G>A, p.Arg735His (NM_001007792.1); c.2294G>A, p.Arg765His (NM_001012331.2); short protein forms R735H, R765H, R771H.
Identifiers: ClinVar variation 858212 (VCV000858212.12), dbSNP rs780724170, ClinGen allele CA1169630.
Genomic context (GRCh38, chr1:156,881,563, plus strand): 5'-CCTGCCCACCAGAGGTCTACGCCATCATGCGGGGCTGCTGGCAGCGGGAGCCCCAGCAAC[G>A]CCACAGCATCAAGGATGTGCACGCCCGGCTGCAAGCCCTGGCCCAGGCACCTCCTGTCTA-3'
Protein context (NP_002520.2, residues 761-781): RGCWQREPQQ[Arg771His]HSIKDVHARL

ClinVar aggregate classification (germline): Pathogenic/Likely pathogenic. Review status: criteria provided, multiple submitters, no conflicts (2 of 4 stars). 4 submissions from 4 submitters: Pathogenic (1); Likely pathogenic (3). Last evaluated 2025-12-12.

Conditions:
Hereditary insensitivity to pain with anhidrosis (CIPA). Also called: FAMILIAL DYSAUTONOMIA, TYPE II; NEUROPATHY, CONGENITAL SENSORY, WITH ANHIDROSIS; HSAN Type IV; hereditary sensory and autonomic neuropathy type 4; NTRK1 Congenital Insensitivity to Pain with Anhidrosis; INSENSITIVITY TO PAIN, CONGENITAL, WITH ANHIDROSIS. Identifiers: Orphanet 642, MedGen C0020074, MONDO:0009746, OMIM 256800.

Allele frequency attached by ClinVar (database versions not stated): gnomAD exomes below 0.00001; gnomAD 0.00001; ExAC 0.00002; TOPMed 0.00003.
gnomAD v4.1: 5 of 1,611,138 alleles (0.00031%); highest among the groups gnomAD compares: African/African-American, 0.0027%; no homozygotes.

Submissions (4):

Natera, Inc.
Classification: Pathogenic for Hereditary insensitivity to pain with anhidrosis. Last evaluated: 2025-12-12. Review status: criteria provided, single submitter. Criteria: Natera Variant Classification Schema (03/2026). Collection method: clinical testing. Allele origin: germline.
Comment: The c.2294G>A variant in NTRK1 is a missense variant predicted to cause substitution of arginine to histidine at amino acid 765. This variant is rare in the general population with a frequency below the threshold expected for the associated phenotype(s). This variant has been observed in one or more individuals affected with the associated recessive disease, as either homozygous or compound heterozygous with a second variant (PMID: 29770739, 30774415, 34341834, 38833577). Computational prediction algorithms indicate this variant is likely to affect gene or protein function. Given the available evidence, this variant is classified as Pathogenic.

Myriad Genetics, Inc.
Classification: Likely pathogenic for Hereditary insensitivity to pain with anhidrosis. Last evaluated: 2025-10-08. Review status: criteria provided, single submitter. Criteria: Myriad Autosomal Dominant, Autosomal Recessive and X-Linked Classification Criteria (2023). Collection method: clinical testing. Allele origin: unknown.
Comment: NM_002529.3(NTRK1):c.2312G>A(R771H) is a missense variant classified as likely pathogenic in the context of congenital insensitivity to pain with anhidrosis, NTRK1-related. R771H has been observed in cases with relevant disease (PMID: 30774415, 38833577, 29770739). Relevant functional assessments of this variant are not available in the literature. R771H has been observed in referenced population frequency databases. In summary, NM_002529.3(NTRK1):c.2312G>A(R771H) is a missense variant that has been observed more frequently in cases with the relevant disease than in healthy populations. Please note: this variant was assessed in the context of healthy population screening.

Fulgent Genetics
Classification: Likely pathogenic for Hereditary insensitivity to pain with anhidrosis. Last evaluated: 2024-03-27. Review status: criteria provided, single submitter. Criteria: ACMG Guidelines, 2015. Collection method: clinical testing. Allele origin: germline.

Labcorp Genetics (formerly Invitae), Labcorp
Classification: Likely pathogenic for Hereditary insensitivity to pain with anhidrosis. Last evaluated: 2024-02-24. Review status: criteria provided, single submitter. Criteria: Invitae Variant Classification Sherloc (09022015). Collection method: clinical testing. Allele origin: germline.
Comment: This sequence change replaces arginine, which is basic and polar, with histidine, which is basic and polar, at codon 765 of the NTRK1 protein (p.Arg765His). The frequency data for this variant in the population databases is considered unreliable, as metrics indicate poor data quality at this position in the gnomAD database. This missense change has been observed in individual(s) with clinical features of NTRK1-related conditions and/or congenital insensitivity to pain with anhidrosis (PMID: 29770739, 31069529). In at least one individual the data is consistent with being in trans (on the opposite chromosome) from a pathogenic variant. This variant is also known as Arg771His. ClinVar contains an entry for this variant (Variation ID: 858212). Advanced modeling of protein sequence and biophysical properties (such as structural, functional, and spatial information, amino acid conservation, physicochemical variation, residue mobility, and thermodynamic stability) has been performed at Invitae for this missense variant, however the output from this modeling did not meet the statistical confidence thresholds required to predict the impact of this variant on NTRK1 protein function. This variant disrupts the p.Arg765 amino acid residue in NTRK1. Other variant(s) that disrupt this residue have been determined to be pathogenic (PMID: 27265460, 27676246, 32219930). This suggests that this residue is clinically significant, and that variants that disrupt this residue are likely to be disease-causing. In summary, the currently available evidence indicates that the variant is pathogenic, but additional data are needed to prove that conclusively. Therefore, this variant has been classified as Likely Pathogenic.

Literature cited by the submitters: PubMed 29770739 (cited by 3 submitters); PubMed 30774415 (cited by Natera, Inc. and Myriad Genetics, Inc.); PubMed 34341834 (cited by Natera, Inc.); PubMed 38833577 (cited by Natera, Inc. and Myriad Genetics, Inc.); PubMed 31069529 (cited by Labcorp Genetics (formerly Invitae), Labcorp); PubMed 27265460 (cited by Labcorp Genetics (formerly Invitae), Labcorp); PubMed 27676246 (cited by Labcorp Genetics (formerly Invitae), Labcorp); PubMed 32219930 (cited by Labcorp Genetics (formerly Invitae), Labcorp).